The following is an entry in ClinVar:

NM_182961.4(SYNE1):c.13436G>A (p.Arg4479His)

Gene: SYNE1 (spectrin repeat containing nuclear envelope protein 1; minus strand). Cytogenetic location: 6q25.2.
Variant type: single nucleotide variant.
Coding change: c.13436G>A on transcript NM_182961.4 (MANE Select); coding-DNA position 13436, G replaced by A.
Protein change: p.Arg4479His; replaces arginine 4479 with histidine.
Molecular consequence: missense variant.
Genome position (GRCh38, 1-based): chr6:152,331,249, C>T on the plus strand (G>A on the coding strand, the complement: SYNE1 is on the minus strand). VCF-style: chr6-152331249-C-T. GRCh37 (hg19) VCF-style: chr6-152652384-C-T.
Other names: c.13223G>A, p.Arg4408His (NM_033071.5); short protein forms R4408H, R4479H.
Identifiers: ClinVar variation 448554 (VCV000448554.10), dbSNP rs768085752, ClinGen allele CA4056175.

ClinVar aggregate classification (germline): Uncertain significance. Review status: criteria provided, multiple submitters, no conflicts (2 of 4 stars). 5 submissions from 5 submitters: Uncertain significance (5). Last evaluated 2025-05-12.

Conditions:
SYNE1-related disorder. Also called: SYNE1-related disorders; SYNE1-related disease; SYNE1-related condition.
Emery-Dreifuss muscular dystrophy 4, autosomal dominant (EDMD4). Also called: EMERY-DREIFUSS MUSCULAR DYSTROPHY 4 WITH VARIABLE FEATURES. Identifiers: Orphanet 261, MedGen C2751807, MONDO:0013071, OMIM 612998.
Autosomal recessive ataxia, Beauce type. Also called: Spinocerebellar ataxia, autosomal recessive 8; ATAXIA, RECESSIVE, OF BEAUCE; SYNE1-Related Autosomal Recessive Cerebellar Ataxia; SYNE1 Deficiency. Identifiers: Orphanet 88644, MedGen C1853116, MONDO:0012549, OMIM 610743.

Allele frequency attached by ClinVar (database versions not stated): ExAC 0.00001; gnomAD 0.00001 and 0.00003; gnomAD exomes 0.00002; TOPMed 0.00003.
gnomAD v4.1: 29 of 1,613,986 alleles (0.0018%); highest among the groups gnomAD compares: Admixed American, 0.005%; no homozygotes.

Submissions (5):

PreventionGenetics, part of Exact Sciences
Classification: Uncertain significance for SYNE1-related condition. Last evaluated: 2025-05-12. Review status: criteria provided, single submitter. Criteria: ACMG Guidelines, 2015. Collection method: clinical testing. Allele origin: germline.
Comment: The SYNE1 c.13223G>A variant is predicted to result in the amino acid substitution p.Arg4408His. To our knowledge, this variant has not been reported in the literature. This variant is reported in 0.0058% of alleles in individuals of Latino descent in gnomAD. At this time, the clinical significance of this variant is uncertain due to the absence of conclusive functional and genetic evidence.

Athena Diagnostics
Classification: Uncertain significance. Last evaluated: 2024-04-26. Review status: criteria provided, single submitter. Criteria: Athena Diagnostics Criteria. Collection method: clinical testing. Allele origin: unknown.

Labcorp Genetics (formerly Invitae), Labcorp
Classification: Uncertain significance for Emery-Dreifuss muscular dystrophy 4, autosomal dominant; Autosomal recessive ataxia, Beauce type. Last evaluated: 2024-01-22. Review status: criteria provided, single submitter. Criteria: Invitae Variant Classification Sherloc (09022015). Collection method: clinical testing. Allele origin: germline.
Comment: This sequence change replaces arginine, which is basic and polar, with histidine, which is basic and polar, at codon 4408 of the SYNE1 protein (p.Arg4408His). This variant is present in population databases (rs768085752, gnomAD 0.006%). This variant has not been reported in the literature in individuals affected with SYNE1-related conditions. ClinVar contains an entry for this variant (Variation ID: 448554). Algorithms developed to predict the effect of missense changes on protein structure and function output the following: SIFT: "Not Available"; PolyPhen-2: "Benign"; Align-GVGD: "Not Available". The histidine amino acid residue is found in multiple mammalian species, which suggests that this missense change does not adversely affect protein function. In summary, the available evidence is currently insufficient to determine the role of this variant in disease. Therefore, it has been classified as a Variant of Uncertain Significance.

GeneDx
Classification: Uncertain significance. Last evaluated: 2023-11-01. Review status: criteria provided, single submitter. Criteria: GeneDx Variant Classification Process June 2021. Collection method: clinical testing. Allele origin: germline. Affected: yes.
Comment: Not observed at significant frequency in large population cohorts (gnomAD); In silico analysis supports that this missense variant does not alter protein structure/function; Has not been previously published as pathogenic or benign to our knowledge

Revvity Omics, Revvity
Classification: Uncertain significance. Last evaluated: 2019-11-17. Review status: criteria provided, single submitter. Criteria: ACMG Guidelines, 2015. Collection method: clinical testing. Allele origin: germline.